The following is an entry in ClinVar:

NM_006662.3(SRCAP):c.7460C>G (p.Pro2487Arg)

Gene: SRCAP (Snf2 related CREBBP activator protein; plus strand). Cytogenetic location: 16p11.2.
Variant type: single nucleotide variant.
Coding change: c.7460C>G on transcript NM_006662.3 (MANE Select); coding-DNA position 7460, C replaced by G.
Protein change: p.Pro2487Arg; replaces proline 2487 with arginine.
Molecular consequence: missense variant.
Genome position (GRCh38, 1-based): chr16:30,737,500, C>G. VCF-style: chr16-30737500-C-G. GRCh37 (hg19) VCF-style: chr16-30748821-C-G.
Other names: short protein forms P2487R.
Identifiers: ClinVar variation 2672628 (VCV002672628.23), dbSNP rs775147297, ClinGen allele CA8012487.

ClinVar aggregate classification (germline): Likely benign (1 of 4 stars; one submission).

Allele frequency attached by ClinVar (database versions not stated): gnomAD exomes below 0.00001; TOPMed below 0.00001; ExAC 0.00001; gnomAD 0.00001.
gnomAD v4.1: 7 of 1,599,214 alleles (0.00044%); highest among the groups gnomAD compares: Middle Eastern, 0.017%; no homozygotes.

Submission:

CeGaT Center for Human Genetics Tuebingen
Classification: Likely benign. Last evaluated: 2023-11-01. Review status: criteria provided, single submitter. Criteria: CeGaT Center For Human Genetics Tuebingen Variant Classification Criteria Version 2. Collection method: clinical testing. Allele origin: germline. Affected: yes. Observed: 1 variant allele.
Comment: SRCAP: BP4